The following is an entry in ClinVar:

NM_032242.4(PLXNA1):c.4887G>A (p.Thr1629=)

Gene: PLXNA1 (plexin A1; plus strand). Cytogenetic location: 3q21.3.
Variant type: single nucleotide variant.
Coding change: c.4887G>A on transcript NM_032242.4 (MANE Select); coding-DNA position 4887, G replaced by A.
Protein change: p.Thr1629=; no amino-acid change (threonine 1629 retained).
Molecular consequence: synonymous variant.
Genome position (GRCh38, 1-based): chr3:127,029,890, G>A. VCF-style: chr3-127029890-G-A. GRCh37 (hg19) VCF-style: chr3-126748733-G-A.
Identifiers: ClinVar variation 718939 (VCV000718939.24), dbSNP rs143448130, ClinGen allele CA2594560.

ClinVar aggregate classification (germline): Benign/Likely benign. Review status: criteria provided, multiple submitters, no conflicts (2 of 4 stars). 4 submissions from 4 submitters: Benign (2); Likely benign (2). Last evaluated 2025-07-14.

Allele frequency attached by ClinVar (database versions not stated): 1000 Genomes Project 0.00020; 1000 Genomes Project 30x 0.00031; TOPMed 0.00122; gnomAD exomes 0.00177 and 0.00297; gnomAD 0.00179 and 0.00187; ESP Exome Variant Server 0.00185; ExAC 0.00191.
gnomAD v4.1: 4,565 of 1,609,912 alleles (0.28%); highest among the groups gnomAD compares: Non-Finnish European, 0.34%; 12 homozygotes.

Submissions (4):

Labcorp Genetics (formerly Invitae), Labcorp
Classification: Benign. Last evaluated: 2025-07-14. Review status: criteria provided, single submitter. Criteria: Invitae Variant Classification Sherloc (09022015). Collection method: clinical testing. Allele origin: germline.

CeGaT Center for Human Genetics Tuebingen
Classification: Likely benign. Last evaluated: 2025-01-01. Review status: criteria provided, single submitter. Criteria: CeGaT Center For Human Genetics Tuebingen Variant Classification Criteria Version 2. Collection method: clinical testing. Allele origin: germline. Affected: yes. Observed: 1 variant allele.
Comment: PLXNA1: BP4, BP7

Blueprint Genetics
Classification: Likely benign. Last evaluated: 2024-11-11. Review status: criteria provided, single submitter. Criteria: ACMG Guidelines, 2015. Collection method: clinical testing. Allele origin: germline.

Breakthrough Genomics
Classification: Benign. Review status: criteria provided, single submitter. Criteria: ACMG Guidelines, 2015. Collection method: not provided. Allele origin: germline. Inheritance: Autosomal recessive inheritance. Affected: yes.